The following is an entry in ClinVar:

ClinVar aggregate classification (germline): Uncertain significance (1 of 4 stars; one submission).

Conditions:
Hereditary cancer-predisposing syndrome. Also called: Hereditary neoplastic syndrome; Neoplastic Syndromes, Hereditary; Tumor predisposition; Hereditary Cancer Syndrome. Identifiers: Orphanet 140162, MedGen C0027672, MeSH D009386, MONDO:0015356.

Submission:

Ambry Genetics
Classification: Uncertain significance for Hereditary cancer-predisposing syndrome. Last evaluated: 2022-05-26. Review status: criteria provided, single submitter. Criteria: Ambry Variant Classification Scheme 2023. Collection method: clinical testing. Allele origin: germline.
Comment: The p.L2198I variant (also known as c.6592C>A), located in coding exon 45 of the ATM gene, results from a C to A substitution at nucleotide position 6592. The leucine at codon 2198 is replaced by isoleucine, an amino acid with highly similar properties. This amino acid position is conserved. In addition, this alteration is predicted to be tolerated by in silico analysis. Since supporting evidence is limited at this time, the clinical significance of this alteration remains unclear.

NM_000051.4(ATM):c.6592C>A (p.Leu2198Ile)

Genes: ATM (ATM serine/threonine kinase; plus strand), C11orf65 (chromosome 11 open reading frame 65; minus strand). Cytogenetic location: 11q22.3.
Variant type: single nucleotide variant.
Coding change: c.6592C>A on transcript NM_000051.4 (MANE Select); coding-DNA position 6592, C replaced by A.
Protein change: p.Leu2198Ile; replaces leucine 2198 with isoleucine.
Molecular consequence: missense variant. On other transcripts: intron variant (2).
Genome position (GRCh38, 1-based): chr11:108,325,329, C>A. VCF-style: chr11-108325329-C-A. GRCh37 (hg19) VCF-style: chr11-108196056-C-A.
Other names: c.6592C>A, p.Leu2198Ile (NM_001351834.2); c.641-16258G>T (NM_001330368.2); c.*38+9891G>T (NM_001351110.2); short protein forms L2198I.
Identifiers: ClinVar variation 1754365 (VCV001754365.2), dbSNP rs2136307766, ClinGen allele CA382554682.
Genomic context (GRCh38, chr11:108,325,329, plus strand): 5'-CATTTCTCTTGCTTACATGAACTCTATGTCGTGGCATTCAGATCAGTCACACATAGACAA[C>A]TCTCTGAAGTATATATTAAGTGGCAGAAACACTCCCAGCTTCTCAAGGACAGTGATTTTA-3'
Protein context (NP_000042.3, residues 2188-2208): LFSRSVTHRQ[Leu2198Ile]SEVYIKWQKH